The following is an entry in ClinVar:

ClinVar aggregate classification (germline): Benign. Review status: criteria provided, multiple submitters, no conflicts (2 of 4 stars). 2 submissions from 2 submitters: Benign (2). Last evaluated 2018-06-14.

Allele frequency attached by ClinVar (database versions not stated): 1000 Genomes Project 30x 0.01623; 1000 Genomes Project 0.01642; TOPMed 0.03213; ExAC 0.03429; gnomAD exomes 0.03503 and 0.05202; gnomAD 0.03566 and 0.03581; ESP Exome Variant Server 0.04005.
gnomAD v4.1: 55,732 of 1,112,267 alleles (5%); highest among the groups gnomAD compares: Non-Finnish European, 6%; 1,091 homozygotes.

Submissions (2):

GeneDx
Classification: Benign. Last evaluated: 2018-06-14. Review status: criteria provided, single submitter. Criteria: GeneDx Variant Classification (06012015). Collection method: clinical testing. Allele origin: germline. Affected: yes.
Comment: This variant is considered likely benign or benign based on one or more of the following criteria: it is a conservative change, it occurs at a poorly conserved position in the protein, it is predicted to be benign by multiple in silico algorithms, and/or has population frequency not consistent with disease.

Breakthrough Genomics
Classification: Benign. Review status: criteria provided, single submitter. Criteria: ACMG Guidelines, 2015. Collection method: not provided. Allele origin: germline. Inheritance: X-linked inheritance. Affected: yes.

NM_000032.5(ALAS2):c.416-34C>T

Gene: ALAS2 (5'-aminolevulinate synthase 2; minus strand). Cytogenetic location: Xp11.21.
Variant type: single nucleotide variant.
Coding change: c.416-34C>T on transcript NM_000032.5 (MANE Select); 34 bases into the intron before coding-DNA position 416, C replaced by T.
Molecular consequence: intron variant.
Genome position (GRCh38, 1-based): chrX:55,021,308, G>A on the plus strand (C>T on the coding strand, the complement: ALAS2 is on the minus strand). VCF-style: chrX-55021308-G-A. GRCh37 (hg19) VCF-style: chrX-55047741-G-A.
Other names: c.305-34C>T (NM_001037967.4); c.377-34C>T (NM_001037968.4).
Identifiers: ClinVar variation 674644 (VCV000674644.2), dbSNP rs45479691, ClinGen allele CA10428419.